The following is an entry in ClinVar:

ClinVar aggregate classification (germline): Uncertain significance (1 of 4 stars; one submission).

Conditions:
Mendelian susceptibility to mycobacterial diseases due to complete ISG15 deficiency. Also called: Immunodeficiency 38; IMMUNODEFICIENCY 38, MYCOBACTERIOSIS, AUTOSOMAL RECESSIVE; ISG15 DEFICIENCY, AUTOSOMAL RECESSIVE; Immunodeficiency 38 with basal ganglia calcification. Identifiers: Orphanet 319563, MedGen C4015293, MONDO:0014502, OMIM 616126.

Allele frequency attached by ClinVar (database versions not stated): gnomAD 0.00001; ExAC 0.00002; TOPMed 0.00003.

Submission:

Labcorp Genetics (formerly Invitae), Labcorp
Classification: Uncertain significance for Mendelian susceptibility to mycobacterial diseases due to complete ISG15 deficiency. Last evaluated: 2024-10-16. Review status: criteria provided, single submitter. Criteria: Invitae Variant Classification Sherloc (09022015). Collection method: clinical testing. Allele origin: germline.
Comment: This sequence change replaces alanine, which is neutral and non-polar, with threonine, which is neutral and polar, at codon 40 of the ISG15 protein (p.Ala40Thr). This variant is present in population databases (rs201238613, gnomAD 0.01%). This variant has not been reported in the literature in individuals affected with ISG15-related conditions. ClinVar contains an entry for this variant (Variation ID: 1960011). An algorithm developed to predict the effect of missense changes on protein structure and function outputs the following: PolyPhen-2: "Benign". The threonine amino acid residue is found in multiple mammalian species, which suggests that this missense change does not adversely affect protein function. In summary, the available evidence is currently insufficient to determine the role of this variant in disease. Therefore, it has been classified as a Variant of Uncertain Significance.

NM_005101.4(ISG15):c.118G>A (p.Ala40Thr)

Gene: ISG15 (ISG15 ubiquitin like modifier; plus strand). Cytogenetic location: 1p36.33.
Variant type: single nucleotide variant.
Coding change: c.118G>A on transcript NM_005101.4 (MANE Select); coding-DNA position 118, G replaced by A.
Protein change: p.Ala40Thr; replaces alanine 40 with threonine.
Molecular consequence: missense variant.
Genome position (GRCh38, 1-based): chr1:1,014,098, G>A. VCF-style: chr1-1014098-G-A. GRCh37 (hg19) VCF-style: chr1-949478-G-A.
Other names: short protein forms A40T.
Identifiers: ClinVar variation 1960011 (VCV001960011.3), dbSNP rs201238613, ClinGen allele CA507621.